The following is an entry in ClinVar:

ClinVar aggregate classification (germline): Pathogenic (1 of 4 stars; one submission).

Conditions:
Hereditary diffuse gastric adenocarcinoma (HDGC). Also called: DIFFUSE GASTRIC AND LOBULAR BREAST CANCER SYNDROME. Identifiers: Orphanet 26106, MedGen C1708349, MONDO:0007648, OMIM 137215.

Submission:

European Reference Network on Genetic Tumour Risk Syndromes (ERN-GENTURIS), i3s - Instituto de Investigação e Inovação em Saúde, University of Porto
Classification: Pathogenic for Hereditary diffuse gastric adenocarcinoma. Last evaluated: 2022-08-01. Review status: criteria provided, single submitter. Criteria: Lee et al. (Hum Mutat. 2018). Collection method: clinical testing. Allele origin: germline. Inheritance: Autosomal dominant inheritance. Affected: yes. Study: ERN GENTURIS.
Comment: PVS1; PS4_Supporting; PM2 (PMID: 30311375)

Literature cited by the submitters: PubMed 36436516.

NM_004360.5(CDH1):c.497dup (p.Asn166fs)

Gene: CDH1 (cadherin 1; plus strand). Cytogenetic location: 16q22.1.
Variant type: Duplication.
Coding change: c.497dup on transcript NM_004360.5 (MANE Select); coding-DNA position 497, one base duplicated (A; older notation c.497dupA).
Protein change: p.Asn166fs; shifts the reading frame from asparagine 166.
Molecular consequence: frameshift variant. On other transcripts: 5 prime UTR variant (2).
Genome position (GRCh38, 1-based): chr16:68,808,533, A duplicated; the last of 4 consecutive A bases (chr16:68,808,530-68,808,533); duplicating any one gives the same sequence. VCF-style (leftmost placement, unchanged base first): chr16-68808529-G-GA. GRCh37 (hg19) VCF-style: chr16-68842432-G-GA.
Other names: c.497dup, p.Asn166fs (NM_001317184.2); c.-1119dup (NM_001317185.2); c.-1323dup (NM_001317186.2); short protein forms N166fs.
Identifiers: ClinVar variation 2503040 (VCV002503040.1), dbSNP rs2543914878, ClinGen allele CA645596604.
Genomic context (GRCh38, chr16:68,808,529, plus strand): 5'-TCCTCTCCTGGCCTCAGAAGACAGAAGAGAGACTGGGTTATTCCTCCCATCAGCTGCCCA[G>GA]AAAATGAAAAAGGCCCATTTCCTAAAAACCTGGTTCAGGTAGAGAAAGAAGTTCTCTGTT-3'